The following is an entry in ClinVar:

ClinVar aggregate classification (germline): Uncertain significance. Review status: criteria provided, multiple submitters, no conflicts (2 of 4 stars). 3 submissions from 3 submitters: Uncertain significance (3). Last evaluated 2025-03-29.

Conditions:
Hereditary cancer-predisposing syndrome. Also called: Neoplastic Syndromes, Hereditary; Tumor predisposition; Hereditary neoplastic syndrome; Hereditary Cancer Syndrome. Identifiers: Orphanet 140162, MedGen C0027672, MeSH D009386, MONDO:0015356.
Familial cancer of breast. Also called: BREAST CANCER, FAMILIAL; Hereditary breast cancer; hereditary breast carcinoma. Identifiers: Orphanet 227535, MedGen C0346153, MONDO:0016419, OMIM 114480. Disease mechanism: loss of function.

Allele frequency attached by ClinVar (database versions not stated): gnomAD exomes below 0.00001; TOPMed below 0.00001; ExAC 0.00001; gnomAD 0.00001.

Submissions (3):

Ambry Genetics
Classification: Uncertain significance for Hereditary cancer-predisposing syndrome. Last evaluated: 2025-03-29. Review status: criteria provided, single submitter. Criteria: Ambry Variant Classification Scheme 2023. Collection method: clinical testing. Allele origin: germline.
Comment: The p.A195S variant (also known as c.583G>T), located in coding exon 4 of the BARD1 gene, results from a G to T substitution at nucleotide position 583. The alanine at codon 195 is replaced by serine, an amino acid with similar properties. This amino acid position is not well conserved in available vertebrate species. In addition, this alteration is predicted to be tolerated by in silico analysis. Since supporting evidence is limited at this time, the clinical significance of this alteration remains unclear.

Labcorp Genetics (formerly Invitae), Labcorp
Classification: Uncertain significance for Familial cancer of breast. Last evaluated: 2024-04-17. Review status: criteria provided, single submitter. Criteria: Invitae Variant Classification Sherloc (09022015). Collection method: clinical testing. Allele origin: germline.
Comment: This sequence change replaces alanine, which is neutral and non-polar, with serine, which is neutral and polar, at codon 195 of the BARD1 protein (p.Ala195Ser). The frequency data for this variant in the population databases is considered unreliable, as metrics indicate poor data quality at this position in the gnomAD database. This variant has not been reported in the literature in individuals affected with BARD1-related conditions. ClinVar contains an entry for this variant (Variation ID: 826005). An algorithm developed to predict the effect of missense changes on protein structure and function (PolyPhen-2) suggests that this variant is likely to be tolerated. In summary, the available evidence is currently insufficient to determine the role of this variant in disease. Therefore, it has been classified as a Variant of Uncertain Significance.

Women's Health and Genetics/Laboratory Corporation of America, LabCorp
Classification: Uncertain significance. Last evaluated: 2022-07-28. Review status: criteria provided, single submitter. Criteria: LabCorp Variant Classification Summary - May 2015. Collection method: clinical testing. Allele origin: germline.

NM_000465.4(BARD1):c.583G>T (p.Ala195Ser)

Gene: BARD1 (BRCA1 associated RING domain 1; minus strand). Cytogenetic location: 2q35.
Variant type: single nucleotide variant.
Coding change: c.583G>T on transcript NM_000465.4 (MANE Select); coding-DNA position 583, G replaced by T.
Protein change: p.Ala195Ser; replaces alanine 195 with serine.
Molecular consequence: missense variant. On other transcripts: non-coding transcript variant (2), intron variant (3).
Genome position (GRCh38, 1-based): chr2:214,781,291, C>A on the plus strand (G>T on the coding strand, the complement: BARD1 is on the minus strand). VCF-style: chr2-214781291-C-A. GRCh37 (hg19) VCF-style: chr2-215646015-C-A.
Other names: c.526G>T, p.Ala176Ser (NM_001282543.2); c.158+28121G>T (NM_001282548.2); c.215+15770G>T (NM_001282545.2); c.364+11006G>T (NM_001282549.2); short protein forms A195S, A176S.
Identifiers: ClinVar variation 826005 (VCV000826005.17), dbSNP rs755641562, ClinGen allele CA2090407.